The following is an entry in ClinVar:

ClinVar aggregate classification (germline): Uncertain significance (1 of 4 stars; one submission).

Conditions:
Inborn genetic diseases. Identifiers: MedGen C0950123, MeSH D030342.

Submission:

Ambry Genetics
Classification: Uncertain significance for Inborn genetic diseases. Last evaluated: 2025-03-18. Review status: criteria provided, single submitter. Criteria: Ambry Variant Classification Scheme 2023. Collection method: clinical testing. Allele origin: germline.
Comment: The p.H33R variant (also known as c.98A>G), located in coding exon 1 of the SH2B3 gene, results from an A to G substitution at nucleotide position 98. The histidine at codon 33 is replaced by arginine, an amino acid with highly similar properties. This amino acid position is conserved. In addition, this alteration is predicted to be deleterious by in silico analysis. Based on the available evidence, the clinical significance of this variant remains unclear.

NM_005475.3(SH2B3):c.98A>G (p.His33Arg)

Gene: SH2B3 (SH2B adaptor protein 3; plus strand). Cytogenetic location: 12q24.12.
Variant type: single nucleotide variant.
Coding change: c.98A>G on transcript NM_005475.3 (MANE Select); coding-DNA position 98, A replaced by G.
Protein change: p.His33Arg; replaces histidine 33 with arginine.
Molecular consequence: missense variant.
Genome position (GRCh38, 1-based): chr12:111,418,243, A>G. VCF-style: chr12-111418243-A-G. GRCh37 (hg19) VCF-style: chr12-111856047-A-G.
Other names: short protein forms H33R.
Identifiers: ClinVar variation 3953363 (VCV003953363.1).
Genomic context (GRCh38, chr12:111,418,243, plus strand): 5'-CCGCGCCCTCAGCCTCCCCGGCGGCGGCCCCGCGGGGCTGGAGCGAGTTCTGTGAGTTGC[A>G]CGCCGTAGCGGCGGCCCGGGAGCTGGCCCGCCAGTACTGGCTGTTCGCCCGGGAGCATCC-3'
Protein context (NP_005466.1, residues 23-43): PRGWSEFCEL[His33Arg]AVAAARELAR